The following is an entry in ClinVar:

ClinVar aggregate classification (germline): Pathogenic. Review status: criteria provided, multiple submitters, no conflicts (2 of 4 stars). 5 submissions from 5 submitters: Pathogenic (4). 1 of the submissions does not count toward it. Last evaluated 2024-02-08.

Conditions:
MSH6-related disorder. Also called: MSH6-related condition; MSH6-Related disorders.
Hereditary cancer-predisposing syndrome. Also called: Hereditary Cancer Syndrome; Neoplastic Syndromes, Hereditary; Hereditary neoplastic syndrome; Tumor predisposition. Identifiers: Orphanet 140162, MedGen C0027672, MeSH D009386, MONDO:0015356.
Lynch syndrome. Identifiers: Orphanet 144, MedGen C4552100, MONDO:0005835. Disease mechanism: loss of function.
Lynch syndrome 5 (LYNCH5). Also called: Hereditary non-polyposis colorectal cancer, type 5; Colorectal cancer, hereditary nonpolyposis, type 5. Identifiers: Orphanet 144, MedGen C1833477, MONDO:0013710, OMIM 614350. Disease mechanism: loss of function.

Submissions (5):

All of Us Research Program, National Institutes of Health
Classification: Pathogenic for Lynch syndrome. Last evaluated: 2024-02-08. Review status: criteria provided, single submitter. Criteria: ACMG Guidelines, 2015. Collection method: clinical testing. Allele origin: germline. Inheritance: Autosomal dominant inheritance. Observed: 1 variant allele, 1 heterozygote.
Comment: The c.2087_2093del variant in the MSH6 gene is located on the exon 4 and is predicted to result in a shift of reading frame such that it introduces a premature translation termination codon (p.Ile696Argfs*38). It is predicted to result in an absent or disrupted protein product. Other frameshift/truncation variants located upstream and downstream to this position in the same exon have been reported in individuals with Lynch syndrome-associated cancer (ClinVar ID: 89247, 89253). The variant is reported in ClinVar (ID: 428348). The variant is absent in the general population database (gnomAD). Therefore, the c.2087_2093del (p.Ile696Argfs*38) variant in MSH6 gene has been classified as pathogenic.

This study involves interpretation of variants in research participants for the purpose of population health screening. Participant phenotype was not available at the time of variant classification. Additional details can be found in publication PMID: 35346344, PMCID: PMC8962531

Human Genome Sequencing Center Clinical Lab, Baylor College of Medicine
Classification: Pathogenic for Lynch syndrome. Last evaluated: 2023-10-24. Review status: criteria provided, single submitter. Criteria: ACMG Guidelines, 2015. Collection method: clinical testing. Allele origin: unknown.
Comment: The c.2087_2093del variant in the MSH6 gene is located on the exon 4 and is predicted to result in a shift of reading frame such that it introduces a premature translation termination codon (p.Ile696Argfs*38). It is predicted to result in an absent or disrupted protein product. Other frameshift/truncation variants located upstream and downstream to this position in the same exon have been reported in individuals with Lynch syndrome-associated cancer (ClinVar ID: 89247, 89253). The variant is reported in ClinVar (ID: 428348). The variant is absent in the general population database (gnomAD). Therefore, the c.2087_2093del (p.Ile696Argfs*38) variant in MSH6 gene has been classified as pathogenic.

Myriad Genetics, Inc.
Classification: Pathogenic for Lynch syndrome 5. Last evaluated: 2023-08-16. Review status: criteria provided, single submitter. Criteria: Myriad Autosomal Dominant, Autosomal Recessive and X-Linked Classification Criteria (2023). Collection method: clinical testing. Allele origin: unknown.
Comment: This variant is considered pathogenic. This variant creates a frameshift predicted to result in premature protein truncation.

Ambry Genetics
Classification: Pathogenic for Hereditary cancer-predisposing syndrome. Last evaluated: 2021-12-09. Review status: criteria provided, single submitter. Criteria: Ambry Variant Classification Scheme 2023. Collection method: clinical testing. Allele origin: germline.
Comment: The c.2087_2093delTTGATCA pathogenic mutation, located in coding exon 4 of the MSH6 gene, results from a deletion of 7 nucleotides at nucleotide positions 2087 to 2093, causing a translational frameshift with a predicted alternate stop codon (p.I696Rfs*38). This alteration is expected to result in loss of function by premature protein truncation or nonsense-mediated mRNA decay. As such, this alteration is interpreted as a disease-causing mutation.

PreventionGenetics, part of Exact Sciences
Classification: Likely pathogenic for MSH6-related condition. Last evaluated: 2023-11-02. Review status: no assertion criteria provided. Collection method: clinical testing. Allele origin: germline. Not counted in ClinVar's aggregate classification.
Comment: The MSH6 c.2087_2093del7 variant is predicted to result in a frameshift and premature protein termination (p.Ile696Argfs*38). To our knowledge, this variant has not been reported in the literature or in a large population database, indicating this variant is rare. It is interpreted as pathogenic in ClinVar by single submission. Frameshift variants in MSH6 are expected to be pathogenic. This variant is interpreted as likely pathogenic.

NM_000179.3(MSH6):c.2087_2093del (p.Ile696fs)

Gene: MSH6 (mutS homolog 6; plus strand). Cytogenetic location: 2p16.3.
Variant type: Deletion.
Coding change: c.2087_2093del on transcript NM_000179.3 (MANE Select); coding-DNA positions 2087 to 2093, 7 bases deleted (TTGATCA; older notation c.2087_2093delTTGATCA).
Protein change: p.Ile696fs; shifts the reading frame from isoleucine 696.
Molecular consequence: frameshift variant.
Genome position (GRCh38, 1-based): chr2:47,800,070-47,800,076, TTGATCA deleted; deleting any 7 consecutive bases within chr2:47,800,069-47,800,076 gives the same sequence; the c. name uses the placement nearest the transcript's 3' end. VCF-style (leftmost placement, unchanged base first): chr2-47800068-TATTGATC-T. GRCh37 (hg19) VCF-style: chr2-48027207-TATTGATC-T.
Other names: c.2087_2093delTTGATCA (NM_000179.2); c.1181_1187del, p.Ile394fs (NM_001281493.2, NM_001281494.2); c.1697_1703del, p.Ile566fs (NM_001281492.2); c.2087_2093del7 (NM_000179.2); short protein forms I394fs, I566fs, I696fs.
Identifiers: ClinVar variation 428348 (VCV000428348.10), dbSNP rs1114167733, ClinGen allele CA645369265.